The following is an entry in ClinVar:

ClinVar aggregate classification (germline): Uncertain significance (1 of 4 stars; one submission).

Allele frequency attached by ClinVar (database versions not stated): gnomAD exomes 0.00001; TOPMed 0.00002.
gnomAD v4.1: 22 of 1,614,102 alleles (0.0014%); highest among the groups gnomAD compares: Middle Eastern, 0.016%; no homozygotes.

Submission:

Labcorp Genetics (formerly Invitae), Labcorp
Classification: Uncertain significance. Last evaluated: 2024-10-21. Review status: criteria provided, single submitter. Criteria: Invitae Variant Classification Sherloc (09022015). Collection method: clinical testing. Allele origin: germline.
Comment: This sequence change replaces alanine, which is neutral and non-polar, with valine, which is neutral and non-polar, at codon 1000 of the ABCA4 protein (p.Ala1000Val). This variant is present in population databases (rs781780151, gnomAD 0.01%). This variant has not been reported in the literature in individuals affected with ABCA4-related conditions. ClinVar contains an entry for this variant (Variation ID: 967417). Invitae Evidence Modeling of protein sequence and biophysical properties (such as structural, functional, and spatial information, amino acid conservation, physicochemical variation, residue mobility, and thermodynamic stability) indicates that this missense variant is not expected to disrupt ABCA4 protein function with a negative predictive value of 80%. In summary, the available evidence is currently insufficient to determine the role of this variant in disease. Therefore, it has been classified as a Variant of Uncertain Significance.

NM_000350.3(ABCA4):c.2999C>T (p.Ala1000Val)

Gene: ABCA4 (ATP binding cassette subfamily A member 4; minus strand). Cytogenetic location: 1p22.1.
Variant type: single nucleotide variant.
Coding change: c.2999C>T on transcript NM_000350.3 (MANE Select); coding-DNA position 2999, C replaced by T.
Protein change: p.Ala1000Val; replaces alanine 1000 with valine.
Molecular consequence: missense variant.
Genome position (GRCh38, 1-based): chr1:94,044,664, G>A on the plus strand (C>T on the coding strand, the complement: ABCA4 is on the minus strand). VCF-style: chr1-94044664-G-A. GRCh37 (hg19) VCF-style: chr1-94510220-G-A.
Other names: c.2777C>T, p.Ala926Val (NM_001425324.1); short protein forms A1000V, A926V.
Identifiers: ClinVar variation 967417 (VCV000967417.8), dbSNP rs781780151, ClinGen allele CA958081.